The following is an entry in ClinVar:

ClinVar aggregate classification (germline): Benign (3 of 4 stars; one submission).

Conditions:
Breast-ovarian cancer, familial, susceptibility to, 1 (BROVCA1). Also called: BRCA1 Hereditary Breast and Ovarian Cancer; OVARIAN CANCER, SUSCEPTIBILITY TO. Identifiers: Orphanet 145, MedGen C2676676, MONDO:0011450, OMIM 604370. Disease mechanism: loss of function.

Submission:

Evidence-based Network for the Interpretation of Germline Mutant Alleles (ENIGMA)
Classification: Benign for Breast-ovarian cancer, familial 1. Last evaluated: 2015-01-12. Review status: reviewed by expert panel. Criteria: ENIGMA BRCA1/2 Classification Criteria (2015). Collection method: curation. Allele origin: germline.
Comment: Class 1 not pathogenic based on frequency >1% in an outbred sampleset. Frequency 0.33 (Asian), 0.21 (African), 0.35 (European), derived from 1000 genomes (2012-04-30).

NM_007294.4(BRCA1):c.4185+877CTT[2]

Gene: BRCA1 (BRCA1 DNA repair associated; minus strand). Cytogenetic location: 17q21.31.
Variant type: Microsatellite.
Coding change: c.4185+877CTT[2] on transcript NM_007294.4 (MANE Select); two copies in a row of the 3-base unit CTT starting at c.4185+877; the reference has three copies in a row; one copy, 3 bases deleted.
Molecular consequence: intron variant.
Genome position (GRCh38, 1-based): chr17:43,090,059-43,090,061, AAG deleted on the plus strand (CTT on the coding strand, the reverse complement: BRCA1 is on the minus strand); deleting any 3 consecutive bases within chr17:43,090,059-43,090,068 gives the same sequence; the position shown is the placement nearest the transcript's 3' end. VCF-style (leftmost placement, unchanged base first): chr17-43090058-AAAG-A. GRCh37 (hg19) VCF-style: chr17-41242075-AAAG-A.
Other names: IVS 12+883del3; c.4185+883_4185+885del (NM_007294.3); c.735+877CTT[2] (NM_001408458.1, NM_001408469.1, NM_001408453.1 and 11 more transcripts); c.3297+877CTT[2] (NM_001407967.1, NM_001407966.1); c.3804+877CTT[2] (NM_001407959.1, NM_001407963.1, NM_001407960.1); c.3918+877CTT[2] (NM_001407931.1, NM_001407932.1, NM_001407934.1 and 2 more transcripts); c.4041+877CTT[2] (NM_001407747.1, NM_001407848.1, NM_001407839.1 and 20 more transcripts); c.3801+877CTT[2] (NM_001407962.1); and 43 more.
Identifiers: ClinVar variation 209436 (VCV000209436.2), dbSNP rs200781379, ClinGen allele CA276408.